The following is an entry in ClinVar:

ClinVar aggregate classification (germline): Uncertain significance. Review status: criteria provided, multiple submitters, no conflicts (2 of 4 stars). 2 submissions from 2 submitters: Uncertain significance (2). Last evaluated 2024-10-29.

Conditions:
Alzheimer disease. Also called: Presenile and senile dementia; Alzheimer's disease. Identifiers: Orphanet 1020, MedGen C0002395, MeSH D000544, MONDO:0004975, HP:0002511.
Inborn genetic diseases. Identifiers: MedGen C0950123, MeSH D030342.

Allele frequency attached by ClinVar (database versions not stated): gnomAD 0.00001; gnomAD exomes 0.00001; TOPMed 0.00001.
gnomAD v4.1: 9 of 1,611,968 alleles (0.00056%); highest among the groups gnomAD compares: Non-Finnish European, 0.00068%; no homozygotes.

Submissions (2):

Ambry Genetics
Classification: Uncertain significance for Inborn genetic diseases. Last evaluated: 2024-10-29. Review status: criteria provided, single submitter. Criteria: Ambry Variant Classification Scheme 2023. Collection method: clinical testing. Allele origin: germline.

Labcorp Genetics (formerly Invitae), Labcorp
Classification: Uncertain significance for Alzheimer disease. Last evaluated: 2023-11-27. Review status: criteria provided, single submitter. Criteria: Invitae Variant Classification Sherloc (09022015). Collection method: clinical testing. Allele origin: germline.
Comment: This sequence change replaces methionine, which is neutral and non-polar, with isoleucine, which is neutral and non-polar, at codon 345 of the APP protein (p.Met345Ile). This variant is present in population databases (rs201715311, gnomAD 0.007%). This variant has not been reported in the literature in individuals affected with APP-related conditions. ClinVar contains an entry for this variant (Variation ID: 2188353). An algorithm developed to predict the effect of missense changes on protein structure and function (PolyPhen-2) suggests that this variant is likely to be tolerated. In summary, the available evidence is currently insufficient to determine the role of this variant in disease. Therefore, it has been classified as a Variant of Uncertain Significance.

NM_000484.4(APP):c.1035G>T (p.Met345Ile)

Gene: APP (amyloid beta precursor protein; minus strand). Cytogenetic location: 21q21.3.
Variant type: single nucleotide variant.
Coding change: c.1035G>T on transcript NM_000484.4 (MANE Select); coding-DNA position 1035, G replaced by T.
Protein change: p.Met345Ile; replaces methionine 345 with isoleucine.
Molecular consequence: missense variant. On other transcripts: synonymous variant (1), intron variant (7).
Genome position (GRCh38, 1-based): chr21:25,997,415, C>A on the plus strand (G>T on the coding strand, the complement: APP is on the minus strand). VCF-style: chr21-25997415-C-A. GRCh37 (hg19) VCF-style: chr21-27369730-C-A.
Other names: c.867G>T, p.Met289Ile (NM_001136130.3); c.1035G>T, p.Met345Ile (NM_001204301.2); c.867G>T, p.Val289= (NM_001385253.1); c.761-14938G>T (NM_001136131.3); c.698-14938G>T (NM_001136129.3); c.866-14938G>T (NM_001204303.2, NM_201414.3); c.1033+2600G>T (NM_001204302.2, NM_201413.3); c.1018+2600G>T (NM_001136016.3); and 1 more; short protein forms M289I, M345I.
Identifiers: ClinVar variation 2188353 (VCV002188353.5), dbSNP rs201715311, ClinGen allele CA319136688.